The following is an entry in ClinVar:

NM_024675.4(PALB2):c.2587-6T>C

Gene: PALB2 (partner and localizer of BRCA2; minus strand). Cytogenetic location: 16p12.2.
Variant type: single nucleotide variant.
Coding change: c.2587-6T>C on transcript NM_024675.4 (MANE Select); 6 bases into the intron before coding-DNA position 2587, T replaced by C.
Molecular consequence: intron variant.
Genome position (GRCh38, 1-based): chr16:23,626,403, A>G on the plus strand (T>C on the coding strand, the complement: PALB2 is on the minus strand). VCF-style: chr16-23626403-A-G. GRCh37 (hg19) VCF-style: chr16-23637724-A-G.
Identifiers: ClinVar variation 569805 (VCV000569805.9), dbSNP rs1567215608, ClinGen allele CA891844516.

ClinVar aggregate classification (germline): Uncertain significance (1 of 4 stars; one submission).

Conditions:
Familial cancer of breast. Also called: hereditary breast carcinoma; BREAST CANCER, FAMILIAL; Hereditary breast cancer. Identifiers: Orphanet 227535, MedGen C0346153, MONDO:0016419, OMIM 114480. Disease mechanism: loss of function.

Allele frequency attached by ClinVar (database versions not stated): gnomAD exomes below 0.00001.
gnomAD v4.1: 1 of 1,614,210 alleles (0.000062%); highest among the groups gnomAD compares: Non-Finnish European, 0.000085%; no homozygotes.

Submission:

Labcorp Genetics (formerly Invitae), Labcorp
Classification: Uncertain significance for Familial cancer of breast. Last evaluated: 2018-05-22. Review status: criteria provided, single submitter. Criteria: Invitae Variant Classification Sherloc (09022015). Collection method: clinical testing. Allele origin: germline.
Comment: This sequence change falls in intron 6 of the PALB2 gene. It does not directly change the encoded amino acid sequence of the PALB2 protein. This variant is not present in population databases (ExAC no frequency). This variant has not been reported in the literature in individuals with PALB2-related disease. Algorithms developed to predict the effect of sequence changes on RNA splicing suggest that this variant may disrupt the consensus splice site, but this prediction has not been confirmed by published transcriptional studies. In summary, the available evidence is currently insufficient to determine the role of this variant in disease. Therefore, it has been classified as a Variant of Uncertain Significance.